The following is an entry in ClinVar:

NC_000001.10:g.(?_57351580)_(57351860_?)del

Gene: C8A (complement C8 alpha chain; plus strand). Cytogenetic location: 1p32.2.
Variant type: Deletion.
Identifiers: ClinVar variation 2423328 (VCV002423328.4).

ClinVar aggregate classification (germline): Pathogenic (1 of 4 stars; one submission).

Submission:

Labcorp Genetics (formerly Invitae), Labcorp
Classification: Pathogenic. Last evaluated: 2022-08-12. Review status: criteria provided, single submitter. Criteria: Invitae Variant Classification Sherloc (09022015). Collection method: clinical testing. Allele origin: germline.
Comment: This variant has not been reported in the literature in individuals affected with C8A-related conditions. For these reasons, this variant has been classified as Pathogenic. This variant is a gross deletion of the genomic region encompassing exon(s) 7 of the C8A gene. This deletion is out-of-frame, and is expected to create a premature termination codon and result in an absent or disrupted protein product. Loss-of-function variants in C8A are known to be pathogenic (PMID: 9759902).

Literature cited by the submitters: PubMed 9759902.